The following is an entry in ClinVar:

ClinVar aggregate classification (germline): Likely pathogenic (1 of 4 stars; one submission).

Conditions:
Mirror movements 1 (MRMV1). Identifiers: Orphanet 238722, MedGen C1834870, OMIM 157600, MONDO:0008002.

Submission:

Variantyx, Inc.
Classification: Likely pathogenic for Mirror movements 1. Last evaluated: 2025-12-10. Review status: criteria provided, single submitter. Criteria: Variantyx Assertion Criteria 2022. Collection method: clinical testing. Allele origin: germline. Inheritance: Autosomal dominant inheritance. Affected: no.
Comment: This is a nonsense variant in the DCC gene (OMIM: 120470). Pathogenic variants in this gene have been associated with autosomal dominant mirror movements 1 and/or agenesis of the corpus callosum. This variant introduces a premature termination codon in exon 9 out of 29 and is expected to result in loss of function, which is a known disease mechanism for DCC in this disorder (PMID: 28250456, 24808016) (PVS1). This variant is absent from control populations (PM2). Inheritance from an unaffected or mildly affected parent has been reported in the DCC gene, consistent with incomplete penetrance and/or variable expressivity for autosomal dominant mirror movements 1 and/or agenesis of the corpus callosum (PMID:5763452, 28250454, 19720981). Based on the current evidence, this variant is classified as likely pathogenic with reduced penetrance for autosomal dominant mirror movements 1 and/or agenesis of the corpus callosum.

Literature cited by the submitters: PubMed 28250456; PubMed 24808016.

NM_005215.4(DCC):c.1441C>T (p.Gln481Ter)

Gene: DCC (DCC netrin 1 receptor; plus strand). Cytogenetic location: 18q21.2.
Variant type: single nucleotide variant.
Coding change: c.1441C>T on transcript NM_005215.4 (MANE Select); coding-DNA position 1441, C replaced by T.
Protein change: p.Gln481Ter; replaces glutamine 481 with a stop codon.
Molecular consequence: nonsense.
Genome position (GRCh38, 1-based): chr18:53,178,984, C>T. VCF-style: chr18-53178984-C-T. GRCh37 (hg19) VCF-style: chr18-50705354-C-T.
Other names: short protein forms Q481*.
Identifiers: ClinVar variation 4850758 (VCV004850758.1).